The following is an entry in ClinVar:

NC_012920.1(MT-CO1):m.5985G>A

Gene: MT-CO1 (mitochondrially encoded cytochrome c oxidase I; plus strand).
Variant type: single nucleotide variant.
Genome position: chrM-5985-G-A.
Identifiers: ClinVar variation 692605 (VCV000692605.1), dbSNP rs386828982, ClinGen allele CA414781114.

ClinVar aggregate classification (germline): Benign (1 of 4 stars; one submission).

Conditions:
Leigh syndrome (NULS). Also called: Leigh's necrotizing encephalopathy; Leigh's disease; Leigh Syndrome (mtDNA deletion); Leigh Disease; Subacute necrotizing encephalopathy; Necrotizing encephalopathy infantile subacute of Leigh. Identifiers: Orphanet 506, MedGen C2931891, MONDO:0009723, OMIM 256000.

Submission:

Wong Mito Lab, Molecular and Human Genetics, Baylor College of Medicine
Classification: Benign for Leigh syndrome. Last evaluated: 2019-10-17. Review status: criteria provided, single submitter. Criteria: Modified ACMG Guidelines (Unpublished). Collection method: clinical testing. Allele origin: germline.
Comment: The NC_012920.1:m.5985G>A (YP_003024028.1:p.Val28Ile) variant in MTCO1 gene is interpretated to be a Benign variant based on the modified ACMG guidelines (unpublished). This variant meets the following evidence codes: BS1, BS2